The following is an entry in ClinVar:

ClinVar aggregate classification (germline): Conflicting classifications of pathogenicity. Review status: criteria provided, conflicting classifications (1 of 4 stars). 3 submissions from 3 submitters: Uncertain significance (1); Likely benign (2). Last evaluated 2026-03-06.

Conditions:
Citrullinemia. Identifiers: Orphanet 187, MedGen C0175683, MONDO:0015991.

Allele frequency attached by ClinVar (database versions not stated): gnomAD 0.00007 and 0.00006; TOPMed 0.00005; gnomAD exomes 0.00007; ExAC 0.00008.
gnomAD v4.1: 112 of 1,613,584 alleles (0.0069%); highest among the groups gnomAD compares: Admixed American, 0.02%; no homozygotes.

Submissions (3):

GeneDx
Classification: Uncertain significance. Last evaluated: 2026-03-06. Review status: criteria provided, single submitter. Criteria: GeneDx Variant Classification Process June 2021. Collection method: clinical testing. Allele origin: germline.
Comment: In silico analysis supports that this missense variant has a deleterious effect on protein structure/function; Has not been previously published as pathogenic or benign to our knowledge

Labcorp Genetics (formerly Invitae), Labcorp
Classification: Likely benign for Citrullinemia. Last evaluated: 2026-01-11. Review status: criteria provided, single submitter. Criteria: Invitae Variant Classification Sherloc (09022015). Collection method: clinical testing. Allele origin: germline.

Breakthrough Genomics
Classification: Likely benign. Review status: criteria provided, single submitter. Criteria: ACMG Guidelines, 2015. Collection method: not provided. Allele origin: germline. Inheritance: Autosomal recessive inheritance. Affected: yes.

NM_054012.4(ASS1):c.1211G>A (p.Arg404His)

Gene: ASS1 (argininosuccinate synthase 1; plus strand). Cytogenetic location: 9q34.11.
Variant type: single nucleotide variant.
Coding change: c.1211G>A on transcript NM_054012.4 (MANE Select); coding-DNA position 1211, G replaced by A.
Protein change: p.Arg404His; replaces arginine 404 with histidine.
Molecular consequence: missense variant.
Genome position (GRCh38, 1-based): chr9:130,500,993, G>A. VCF-style: chr9-130500993-G-A. GRCh37 (hg19) VCF-style: chr9-133376380-G-A.
Other names: c.1211G>A, p.Arg404His (NM_000050.4); short protein forms R404H.
Identifiers: ClinVar variation 1108541 (VCV001108541.11), dbSNP rs752612525, ClinGen allele CA5283691.